The following is an entry in ClinVar:

ClinVar aggregate classification (germline): Likely pathogenic (1 of 4 stars; one submission).

Conditions:
Muscular dystrophy-dystroglycanopathy (congenital with impaired intellectual development), type B, 1. Also called: Muscular dystrophy-dystroglycanopathy (congenital with intellectual disability), type B1; MUSCULAR DYSTROPHY, CONGENITAL, POMT1-RELATED. Identifiers: MedGen C5436962, MONDO:0013159, OMIM 613155.
Walker-Warburg congenital muscular dystrophy. Also called: Muscular dystrophy-dystroglycanopathy, type A; Walker-Warburg syndrome. Identifiers: Orphanet 899, MedGen C0265221, MONDO:0000171.
Autosomal recessive limb-girdle muscular dystrophy type 2K. Also called: MUSCULAR DYSTROPHY-DYSTROGLYCANOPATHY (LIMB-GIRDLE), TYPE C, 1; MUSCULAR DYSTROPHY, LIMB-GIRDLE, TYPE 2K. Identifiers: Orphanet 86812, MedGen C1836373, MONDO:0012248, OMIM 609308.

Allele frequency attached by ClinVar (database versions not stated): ExAC 0.00001; ESP Exome Variant Server 0.00008.

Submission:

Labcorp Genetics (formerly Invitae), Labcorp
Classification: Likely pathogenic for Muscular dystrophy-dystroglycanopathy (congenital with impaired intellectual development), type B, 1; Walker-Warburg congenital muscular dystrophy; Autosomal recessive limb-girdle muscular dystrophy type 2K. Last evaluated: 2022-11-08. Review status: criteria provided, single submitter. Criteria: Invitae Variant Classification Sherloc (09022015). Collection method: clinical testing. Allele origin: germline.
Comment: This sequence change replaces tryptophan, which is neutral and slightly polar, with arginine, which is basic and polar, at codon 486 of the POMT1 protein (p.Trp486Arg). This variant is present in population databases (rs376126988, gnomAD 0.007%). This variant has not been reported in the literature in individuals affected with POMT1-related conditions. Advanced modeling of protein sequence and biophysical properties (such as structural, functional, and spatial information, amino acid conservation, physicochemical variation, residue mobility, and thermodynamic stability) performed at Invitae indicates that this missense variant is expected to disrupt POMT1 protein function. This variant disrupts the p.Trp486 amino acid residue in POMT1. Other variant(s) that disrupt this residue have been determined to be pathogenic (PMID: 27193224, 28157257). This suggests that this residue is clinically significant, and that variants that disrupt this residue are likely to be disease-causing. In summary, the currently available evidence indicates that the variant is pathogenic, but additional data are needed to prove that conclusively. Therefore, this variant has been classified as Likely Pathogenic.

Literature cited by the submitters: PubMed 27193224; PubMed 28157257.

NM_001077365.2(POMT1):c.1390T>C (p.Trp464Arg)

Gene: POMT1 (protein O-mannosyltransferase 1; plus strand). Cytogenetic location: 9q34.13.
Variant type: single nucleotide variant.
Coding change: c.1390T>C on transcript NM_001077365.2 (MANE Select); coding-DNA position 1390, T replaced by C.
Protein change: p.Trp464Arg; replaces tryptophan 464 with arginine.
Molecular consequence: missense variant. On other transcripts: non-coding transcript variant (10), intron variant (1).
Genome position (GRCh38, 1-based): chr9:131,518,861, T>C. VCF-style: chr9-131518861-T-C. GRCh37 (hg19) VCF-style: chr9-134394248-T-C.
Other names: c.1228T>C, p.Trp410Arg (NM_001077366.2, NM_001353194.2); c.1390T>C, p.Trp464Arg (NM_001136113.2); c.1039T>C, p.Trp347Arg (NM_001136114.2, NM_001353195.2, NM_001374691.1 and 2 more transcripts); c.1456T>C, p.Trp486Arg (NM_001353193.2, NM_007171.4); c.1300T>C, p.Trp434Arg (NM_001353196.2); c.1294T>C, p.Trp432Arg (NM_001353197.2, NM_001353198.2); c.1105T>C, p.Trp369Arg (NM_001353199.2); c.934T>C, p.Trp312Arg (NM_001353200.2); and 4 more; short protein forms W347R, W434R, W87R, W312R, W334R, W369R, W460R, W464R.
Identifiers: ClinVar variation 2117588 (VCV002117588.4), dbSNP rs376126988, ClinGen allele CA5293686.